The following is an entry in ClinVar:

NM_001291867.2(NHS):c.666C>T (p.Cys222=)

Gene: NHS (NHS actin remodeling regulator; plus strand). Cytogenetic location: Xp22.13.
Variant type: single nucleotide variant.
Coding change: c.666C>T on transcript NM_001291867.2 (MANE Select); coding-DNA position 666, C replaced by T.
Protein change: p.Cys222=; no amino-acid change (cysteine 222 retained).
Molecular consequence: synonymous variant.
Genome position (GRCh38, 1-based): chrX:17,687,842, C>T. VCF-style: chrX-17687842-C-T. GRCh37 (hg19) VCF-style: chrX-17705962-C-T.
Other names: c.135C>T, p.Cys45= (NM_001136024.4, NM_001291868.2); c.666C>T, p.Cys222= (NM_198270.4).
Identifiers: ClinVar variation 195433 (VCV000195433.39), dbSNP rs138104885, ClinGen allele CA201744.

ClinVar aggregate classification (germline): Benign/Likely benign. Review status: criteria provided, multiple submitters, no conflicts (2 of 4 stars). 4 submissions from 4 submitters: Benign (1); Likely benign (3). Last evaluated 2025-12-23.

Conditions:
Inborn genetic diseases. Identifiers: MedGen C0950123, MeSH D030342.
Nance-Horan syndrome (NHS). Identifiers: Orphanet 627, MedGen C0796085, MONDO:0010545, OMIM 302350.

Allele frequency attached by ClinVar (database versions not stated): gnomAD exomes 0.00005 and 0.00016; ExAC 0.00028; gnomAD 0.00050 and 0.00055; 1000 Genomes Project 0.00053; 1000 Genomes Project 30x 0.00062; TOPMed 0.00062; ESP Exome Variant Server 0.00114.
gnomAD v4.1: 109 of 1,210,539 alleles (0.009%); highest among the groups gnomAD compares: African/African-American, 0.16%; no homozygotes.

Submissions (4):

Labcorp Genetics (formerly Invitae), Labcorp
Classification: Benign for Nance-Horan syndrome. Last evaluated: 2025-12-23. Review status: criteria provided, single submitter. Criteria: Invitae Variant Classification Sherloc (09022015). Collection method: clinical testing. Allele origin: germline.

CeGaT Center for Human Genetics Tuebingen
Classification: Likely benign. Last evaluated: 2023-05-01. Review status: criteria provided, single submitter. Criteria: CeGaT Center For Human Genetics Tuebingen Variant Classification Criteria Version 2. Collection method: clinical testing. Allele origin: germline. Affected: yes. Observed: 1 variant allele.
Comment: NHS: BP4, BP7, BS2

Ambry Genetics
Classification: Likely benign for Inborn genetic diseases. Last evaluated: 2018-01-03. Review status: criteria provided, single submitter. Criteria: Ambry Variant Classification Scheme 2023. Collection method: clinical testing. Allele origin: germline.

Eurofins Ntd Llc (ga)
Classification: Likely benign. Last evaluated: 2015-06-05. Review status: criteria provided, single submitter. Criteria: EGL Classification Definitions 2015. Collection method: clinical testing. Allele origin: germline. Observed: 1 variant allele, 1 hemizygote.